The following is an entry in ClinVar:

ClinVar aggregate classification (germline): Uncertain significance (1 of 4 stars; one submission).

Submission:

Labcorp Genetics (formerly Invitae), Labcorp
Classification: Uncertain significance. Last evaluated: 2022-07-12. Review status: criteria provided, single submitter. Criteria: Invitae Variant Classification Sherloc (09022015). Collection method: clinical testing. Allele origin: germline.
Comment: This variant has not been reported in the literature in individuals affected with ADAMTS18-related conditions. In summary, the available evidence is currently insufficient to determine the role of this variant in disease. Therefore, it has been classified as a Variant of Uncertain Significance. This variant results in a copy number gain of the genomic region encompassing exon(s) 1-16 of the ADAMTS18 gene. This region includes the initiator codon of the gene. This copy number gain extends beyond the assayed region for this gene and therefore may encompass additional genes. As the precise location of this event is unknown, it may be in tandem or it may be located elsewhere in the genome.

NC_000016.9:g.(?_77353726)_(77468592_?)dup

Gene: ADAMTS18 (ADAM metallopeptidase with thrombospondin type 1 motif 18; minus strand). Cytogenetic location: 16q23.1.
Variant type: Duplication.
Identifiers: ClinVar variation 2427673 (VCV002427673.4).